The following is an entry in ClinVar:

NM_138691.3(TMC1):c.822G>A (p.Pro274=)

Gene: TMC1 (transmembrane channel like 1; plus strand). Cytogenetic location: 9q21.13.
Variant type: single nucleotide variant.
Coding change: c.822G>A on transcript NM_138691.3 (MANE Select); coding-DNA position 822, G replaced by A.
Protein change: p.Pro274=; no amino-acid change (proline 274 retained).
Molecular consequence: synonymous variant.
Genome position (GRCh38, 1-based): chr9:72,772,493, G>A. VCF-style: chr9-72772493-G-A. GRCh37 (hg19) VCF-style: chr9-75387409-G-A.
Identifiers: ClinVar variation 667173 (VCV000667173.15), dbSNP rs370523728, ClinGen allele CA5081795.

ClinVar aggregate classification (germline): Benign/Likely benign. Review status: criteria provided, multiple submitters, no conflicts (2 of 4 stars). 5 submissions from 5 submitters: Benign (1); Likely benign (4). Last evaluated 2025-12-16.

Conditions:
TMC1-related disorder. Also called: TMC1-related disorders; TMC1-related condition.

Allele frequency attached by ClinVar (database versions not stated): gnomAD exomes 0.00010 and 0.00018; gnomAD 0.00013 and 0.00016; ESP Exome Variant Server 0.00015; ExAC 0.00016; TOPMed 0.00021.
gnomAD v4.1: 172 of 1,613,736 alleles (0.011%); highest among the groups gnomAD compares: Admixed American, 0.03%; no homozygotes.

Submissions (5):

PreventionGenetics, part of Exact Sciences
Classification: Likely benign for TMC1-related condition. Last evaluated: 2025-12-16. Review status: criteria provided, single submitter. Criteria: ACMG Guidelines, 2015. Collection method: clinical testing. Allele origin: germline.
Comment: This variant is classified as likely benign based on ACMG/AMP sequence variant interpretation guidelines (Richards et al. 2015 PMID: 25741868, with internal and published modifications).

Labcorp Genetics (formerly Invitae), Labcorp
Classification: Benign. Last evaluated: 2025-11-23. Review status: criteria provided, single submitter. Criteria: Invitae Variant Classification Sherloc (09022015). Collection method: clinical testing. Allele origin: germline.

Blueprint Genetics
Classification: Likely benign. Last evaluated: 2024-09-23. Review status: criteria provided, single submitter. Criteria: ACMG Guidelines, 2015. Collection method: clinical testing. Allele origin: germline.

GeneDx
Classification: Likely benign. Last evaluated: 2021-05-18. Review status: criteria provided, single submitter. Criteria: GeneDx Variant Classification Process June 2021. Collection method: clinical testing. Allele origin: germline. Affected: yes.

Laboratory for Molecular Medicine, Mass General Brigham Personalized Medicine
Classification: Likely benign. Last evaluated: 2012-04-30. Review status: criteria provided, single submitter. Criteria: LMM Criteria. Collection method: clinical testing. Allele origin: germline. Observed: 1 variant allele.
Comment: Pro274Pro in Exon 13 of TMC1: This variant is not expected to have clinical sign ificance because it does not alter an amino acid residue, is not located within the splice consensus sequence, and has been identified in 1/7020 European Americ an chromosomes from a broad population by the NHLBI Exome Sequencing Project.